The following is an entry in ClinVar:

NM_032603.5(LOXL3):c.1330_1332del (p.Leu444del)

Gene: LOXL3 (lysyl oxidase like 3; minus strand). Cytogenetic location: 2p13.1.
Variant type: Deletion.
Coding change: c.1330_1332del on transcript NM_032603.5 (MANE Select); coding-DNA positions 1330 to 1332, 3 bases deleted (CTC; older notation c.1330_1332delCTC).
Protein change: p.Leu444del; deletes leucine 444.
Molecular consequence: inframe deletion.
Genome position (GRCh38, 1-based): chr2:74,535,672-74,535,674, GAG deleted on the plus strand (CTC on the coding strand, the reverse complement: LOXL3 is on the minus strand); deleting any 3 consecutive bases within chr2:74,535,672-74,535,675 gives the same sequence; the c. name uses the placement nearest the transcript's 3' end. VCF-style (leftmost placement, unchanged base first): chr2-74535671-TGAG-T. GRCh37 (hg19) VCF-style: chr2-74762798-TGAG-T.
Other names: c.895_897del, p.Leu299del (NM_001289164.3); c.247_249del, p.Leu83del (NM_001289165.2); c.1330_1332delCTC (NM_032603.4); short protein forms L299del, L83del, L444del.
Identifiers: ClinVar variation 624141 (VCV000624141.48), dbSNP rs574365163, ClinGen allele CA1728910.

ClinVar aggregate classification (germline): Conflicting classifications of pathogenicity. Review status: criteria provided, conflicting classifications (1 of 4 stars). 4 submissions from 4 submitters: Pathogenic (1); Uncertain significance (2). 1 of the submissions does not count toward it. Last evaluated 2026-01-05.

Conditions:
Stickler syndrome. Identifiers: Orphanet 828, MedGen C0265253, MONDO:0019354.
LOXL3-related disorder. Also called: LOXL3-related condition.

Submissions (4):

Labcorp Genetics (formerly Invitae), Labcorp
Classification: Uncertain significance. Last evaluated: 2026-01-05. Review status: criteria provided, single submitter. Criteria: Invitae Variant Classification Sherloc (09022015). Collection method: clinical testing. Allele origin: germline.
Comment: This variant, c.1330_1332del, results in the deletion of 1 amino acid(s) of the LOXL3 protein (p.Leu444del), but otherwise preserves the integrity of the reading frame. This variant is present in population databases (rs574365163, gnomAD 0.04%). This variant has been observed in individual(s) with clinical features of Stickler syndrome (PMID: 32531858; internal data). In at least one individual the data is consistent with being in trans (on the opposite chromosome) from a pathogenic variant. ClinVar contains an entry for this variant (Variation ID: 624141). Experimental studies and prediction algorithms are not available or were not evaluated, and the functional significance of this variant is currently unknown. In summary, the available evidence is currently insufficient to determine the role of this variant in disease. Therefore, it has been classified as a Variant of Uncertain Significance.

Molecular Genetics Laboratory, Institute for Ophthalmic Research
Classification: Pathogenic for Stickler syndrome. Last evaluated: 2020-01-09. Review status: criteria provided, single submitter. Criteria: ACMG Guidelines, 2015. Collection method: research. Allele origin: germline. Affected: yes.

CeGaT Center for Human Genetics Tuebingen
Classification: Uncertain significance. Last evaluated: 2018-08-01. Review status: criteria provided, single submitter. Criteria: CeGaT Center For Human Genetics Tuebingen Variant Classification Criteria Version 2. Collection method: clinical testing. Allele origin: germline. Affected: yes. Observed: 1 variant allele.

PreventionGenetics, part of Exact Sciences
Classification: Likely benign for LOXL3-related condition. Last evaluated: 2019-04-09. Review status: no assertion criteria provided. Collection method: clinical testing. Allele origin: germline. Not counted in ClinVar's aggregate classification.
Comment: This variant is classified as likely benign based on ACMG/AMP sequence variant interpretation guidelines (Richards et al. 2015 PMID: 25741868, with internal and published modifications).

Literature cited by the submitters: PubMed 32531858 (cited by Labcorp Genetics (formerly Invitae), Labcorp).